The following is an entry in ClinVar:

GRCh37/hg19 17q21.31(chr17:43710396-44292742)x3

Genes: CRHR1 (corticotropin releasing hormone receptor 1), KANSL1 (KAT8 regulatory NSL complex subunit 1), MAPT (microtubule associated protein tau), SPPL2C (signal peptide peptidase like 2C), STH (saitohin). Cytogenetic location: 17q21.31.
Variant type: copy number gain.
Change: copy number 3 (three copies instead of two) of chr17:43,710,396-44,292,742 (582.3 kb, GRCh37 coordinates, 1-based), cytogenetic band 17q21.31.
Identifiers: ClinVar variation 3391824 (VCV003391824.1).

ClinVar aggregate classification (germline): Likely pathogenic (1 of 4 stars; one submission).

Submission:

Quest Diagnostics Nichols Institute San Juan Capistrano
Classification: Likely pathogenic. Last evaluated: 2023-08-12. Review status: criteria provided, single submitter. Criteria: ACMG/ClinGen CNV Guidelines, 2019. Collection method: clinical testing. Allele origin: unknown.
Comment: This gain is consistent with the 17q21.31 duplication syndromic region (OMIM 613533; Firth 2009, Grisart 2009, Kirchhoff 2007, McCormack 2014, Natacci 2016). There are no similar copy number gains spanning this region in the general populations of the Database of Genomic Variants. Thus, this copy number variant (CNV) is classified as likely pathogenic. References: Firth et al., Am J Hum Genet. 2009 Apr;84(4):524-33. PMID: 19344873; Grisart et al., J Med Genet. 2009 Aug;46(8):524-30. PMID: 19502243; Kirchhoff et al., Eur J Med Genet. 2007 Jul-Aug;50(4):256-63. PMID: 17576104; McCormack et al., Case Rep Genet. 2014;2014:658570. PMID: 24649381; Natacci et al., Eur J Paediatr Neurol. 2016 Jan;20(1):183-7. PMID: 26565673